The following is an entry in ClinVar:

NM_182961.4(SYNE1):c.4523_4524insTCA (p.Ala1507_Gln1508insHis)

Gene: SYNE1 (spectrin repeat containing nuclear envelope protein 1; minus strand). Cytogenetic location: 6q25.2.
Variant type: Insertion.
Coding change: c.4523_4524insTCA on transcript NM_182961.4 (MANE Select); coding-DNA positions 4523 to 4524, TCA inserted.
Protein change: p.Ala1507_Gln1508insHis.
Molecular consequence: inframe insertion.
Genome position: GRCh38 VCF-style: chr6-152430647-C-CTGA. GRCh37 (hg19) VCF-style: chr6-152751782-C-CTGA.
Other names: c.4544_4545insTCA, p.Ala1514_Gln1515insHis (NM_033071.5).
Identifiers: ClinVar variation 1039203 (VCV001039203.8), dbSNP rs2098420279, ClinGen allele CA1673328265.
Genomic context (GRCh38, chr6:152,430,647, plus strand): 5'-TTGTGTCAACTTGGCTTTAATTCGAGCAGATTCTCCAGTGGTAACAAACTGAGCAAAAGA[C>CTGA]TGGGCTTCTTCTTCTAATCCTACAATGCTGCTGAGCTTACTTTCTATTTCCTGAATTGTG-3'

ClinVar aggregate classification (germline): Uncertain significance (1 of 4 stars; one submission).

Conditions:
Emery-Dreifuss muscular dystrophy 4, autosomal dominant (EDMD4). Also called: EMERY-DREIFUSS MUSCULAR DYSTROPHY 4 WITH VARIABLE FEATURES. Identifiers: Orphanet 261, MedGen C2751807, MONDO:0013071, OMIM 612998.
Autosomal recessive ataxia, Beauce type. Also called: Spinocerebellar ataxia, autosomal recessive 8; ATAXIA, RECESSIVE, OF BEAUCE; SYNE1 Deficiency; SYNE1-Related Autosomal Recessive Cerebellar Ataxia. Identifiers: Orphanet 88644, MedGen C1853116, MONDO:0012549, OMIM 610743.

Submission:

Labcorp Genetics (formerly Invitae), Labcorp
Classification: Uncertain significance for Emery-Dreifuss muscular dystrophy 4, autosomal dominant; Autosomal recessive ataxia, Beauce type. Last evaluated: 2026-01-19. Review status: criteria provided, single submitter. Criteria: Invitae Variant Classification Sherloc (09022015). Collection method: clinical testing. Allele origin: germline.
Comment: This variant, c.4544_4545insTCA, results in the insertion of 1 amino acid(s) of the SYNE1 protein (p.Ala1514_Gln1515insHis), but otherwise preserves the integrity of the reading frame. This variant is not present in population databases (gnomAD no frequency). This variant has not been reported in the literature in individuals affected with SYNE1-related conditions. ClinVar contains an entry for this variant (Variation ID: 1039203). Experimental studies and prediction algorithms are not available or were not evaluated, and the functional significance of this variant is currently unknown. In summary, the available evidence is currently insufficient to determine the role of this variant in disease. Therefore, it has been classified as a Variant of Uncertain Significance.